The following is an entry in ClinVar:

ClinVar aggregate classification (germline): Uncertain significance (1 of 4 stars; one submission).

Conditions:
Emery-Dreifuss muscular dystrophy 5, autosomal dominant (EDMD5). Also called: EMERY-DREIFUSS MUSCULAR DYSTROPHY 5. Identifiers: Orphanet 261, MedGen C2751805, MONDO:0013072, OMIM 612999.

Allele frequency attached by ClinVar (database versions not stated): TOPMed 0.00001; gnomAD 0.00002.
gnomAD v4.1: 46 of 1,613,130 alleles (0.0029%); highest among the groups gnomAD compares: Middle Eastern, 0.033%; no homozygotes.

Submission:

Labcorp Genetics (formerly Invitae), Labcorp
Classification: Uncertain significance for Emery-Dreifuss muscular dystrophy 5, autosomal dominant. Last evaluated: 2024-05-22. Review status: criteria provided, single submitter. Criteria: Invitae Variant Classification Sherloc (09022015). Collection method: clinical testing. Allele origin: germline.
Comment: This sequence change replaces alanine, which is neutral and non-polar, with valine, which is neutral and non-polar, at codon 4771 of the SYNE2 protein (p.Ala4771Val). This variant is present in population databases (rs573850693, gnomAD 0.007%). This variant has not been reported in the literature in individuals affected with SYNE2-related conditions. ClinVar contains an entry for this variant (Variation ID: 963498). An algorithm developed to predict the effect of missense changes on protein structure and function (PolyPhen-2) suggests that this variant is likely to be disruptive. In summary, the available evidence is currently insufficient to determine the role of this variant in disease. Therefore, it has been classified as a Variant of Uncertain Significance.

NM_182914.3(SYNE2):c.14312C>T (p.Ala4771Val)

Gene: SYNE2 (spectrin repeat containing nuclear envelope protein 2; plus strand). Cytogenetic location: 14q23.2.
Variant type: single nucleotide variant.
Coding change: c.14312C>T on transcript NM_182914.3 (MANE Select); coding-DNA position 14312, C replaced by T.
Protein change: p.Ala4771Val; replaces alanine 4771 with valine.
Molecular consequence: missense variant.
Genome position (GRCh38, 1-based): chr14:64,130,220, C>T. VCF-style: chr14-64130220-C-T. GRCh37 (hg19) VCF-style: chr14-64596938-C-T.
Other names: c.14312C>T, p.Ala4771Val (NM_015180.6); short protein forms A4771V.
Identifiers: ClinVar variation 963498 (VCV000963498.9), dbSNP rs573850693, ClinGen allele CA7222738.
Genomic context (GRCh38, chr14:64,130,220, plus strand): 5'-TGAAGATTGGGAAGGAAAAGCTTGCTCATGGCCACTTAAAACAAACCAAAAGTAAAGTGG[C>T]GTTACAGGCTCAAATAGAAAATCACAAGGTGAGACAGACACATGGGTCGGGTGACCCCTT-3'
Protein context (NP_878918.2, residues 4761-4781): GHLKQTKSKV[Ala4771Val]LQAQIENHKV